The following is an entry in ClinVar:

ClinVar aggregate classification (germline): Likely benign. Review status: criteria provided, single submitter (1 of 4 stars). 2 submissions from 2 submitters: Likely benign (1). 1 of the submissions does not count toward it. Last evaluated 2025-08-11.

Conditions:
Infantile neuroaxonal dystrophy (NBIA2A). Also called: NEURODEGENERATION WITH BRAIN IRON ACCUMULATION 2A; SEITELBERGER DISEASE; Infantile neuroaxonal dystrophy 1. Identifiers: Orphanet 35069, MedGen C0270724, MONDO:0024457, OMIM 256600.

Allele frequency attached by ClinVar (database versions not stated): gnomAD exomes 0.00002 and 0.00013; ExAC 0.00014; gnomAD 0.00004 and 0.00005; TOPMed 0.00006.
gnomAD v4.1: 34 of 1,614,202 alleles (0.0021%); highest among the groups gnomAD compares: East Asian, 0.069%; no homozygotes.

Submissions (2):

Labcorp Genetics (formerly Invitae), Labcorp
Classification: Likely benign for Infantile neuroaxonal dystrophy. Last evaluated: 2025-08-11. Review status: criteria provided, single submitter. Criteria: Invitae Variant Classification Sherloc (09022015). Collection method: clinical testing. Allele origin: germline.

Department of Pathology and Laboratory Medicine, Sinai Health System
Classification: Uncertain significance. Review status: no assertion criteria provided. Collection method: clinical testing. Allele origin: unknown. Affected: yes. Study: The Canadian Open Genetics Repository (COGR). Not counted in ClinVar's aggregate classification.
Comment: The PLA2G6 p.Gln178Arg variant was not identified in the literature nor was it identified in ClinVar, Cosmic, or LOVD 3.0. The variant was identified in dbSNP (ID: rs775728294) and in control databases in 37 of 282890 chromosomes at a frequency of 0.000131 (Genome Aggregation Database Feb 27, 2017). The variant was observed in the East Asian population in 37 of 19954 chromosomes (freq: 0.001854), but was not observed in the African, Latino, Ashkenazi Jewish, European (Finnish), European (non-Finnish), Other or South Asian populations. The p.Gln178 residue is not conserved in mammals and four out of five computational analyses (PolyPhen-2, SIFT, AlignGVGD, BLOSUM, MutationTaster) do not suggest a high likelihood of impact to the protein; however, this information is not predictive enough to rule out pathogenicity. The variant occurs outside of the splicing consensus sequence and three of four in silico or computational prediction software programs (SpliceSiteFinder, MaxEntScan, NNSPLICE, GeneSplicer) do not predict a difference in splicing. In summary, based on the above information the clinical significance of this variant cannot be determined with certainty at this time. This variant is classified as a variant of uncertain significance.

NM_003560.4(PLA2G6):c.533A>G (p.Gln178Arg)

Gene: PLA2G6 (phospholipase A2 group VI; minus strand). Cytogenetic location: 22q13.1.
Variant type: single nucleotide variant.
Coding change: c.533A>G on transcript NM_003560.4 (MANE Select); coding-DNA position 533, A replaced by G.
Protein change: p.Gln178Arg; replaces glutamine 178 with arginine.
Molecular consequence: missense variant. On other transcripts: 5 prime UTR variant (2).
Genome position (GRCh38, 1-based): chr22:38,143,181, T>C on the plus strand (A>G on the coding strand, the complement: PLA2G6 is on the minus strand). VCF-style: chr22-38143181-T-C. GRCh37 (hg19) VCF-style: chr22-38539188-T-C.
Other names: c.533A>G, p.Gln178Arg (NM_001004426.3, NM_001199562.3, NM_001349864.2 and 2 more transcripts); c.-2A>G (NM_001349867.2, NM_001349869.2); c.43A>G, p.Arg15Gly (NM_001349868.2); short protein forms Q178R, R15G.
Identifiers: ClinVar variation 1049640 (VCV001049640.10), dbSNP rs775728294, ClinGen allele CA10231237.